The following is an entry in ClinVar:

ClinVar aggregate classification (germline): Benign/Likely benign. Review status: criteria provided, multiple submitters, no conflicts (2 of 4 stars). 8 submissions from 8 submitters: Benign (1); Likely benign (7). Last evaluated 2026-09-01.

Conditions:
Myoglobinuria, acute recurrent, autosomal recessive. Also called: Myoglobinuria, recurrent, autosomal recessive; RHABDOMYOLYSIS, ACUTE RECURRENT; MYOGLOBINURIA, FAMILIAL PAROXYSMAL PARALYTIC. Identifiers: Orphanet 99845, MedGen C1849386, MONDO:0009992, OMIM 268200.

Allele frequency attached by ClinVar (database versions not stated): 1000 Genomes Project 30x 0.00078; 1000 Genomes Project 0.00100; gnomAD 0.00173 and 0.00174; ESP Exome Variant Server 0.00185; TOPMed 0.00233.
gnomAD v4.1: 2,443 of 1,613,900 alleles (0.15%); highest among the groups gnomAD compares: Middle Eastern, 1.7%; 11 homozygotes.

Submissions (8):

CeGaT Center for Human Genetics Tuebingen
Classification: Likely benign. Last evaluated: 2026-09-01. Review status: criteria provided, single submitter. Criteria: CeGaT Center For Human Genetics Tuebingen Variant Classification Criteria Version 2. Collection method: clinical testing. Allele origin: germline. Affected: yes. Observed: 6 variant alleles.
Comment: LPIN1: BS2

Labcorp Genetics (formerly Invitae), Labcorp
Classification: Likely benign. Last evaluated: 2026-02-04. Review status: criteria provided, single submitter. Criteria: Invitae Variant Classification Sherloc (09022015). Collection method: clinical testing. Allele origin: germline.

GeneDx
Classification: Likely benign. Last evaluated: 2025-04-22. Review status: criteria provided, single submitter. Criteria: GeneDx Variant Classification Process June 2021. Collection method: clinical testing. Allele origin: germline. Affected: yes.
Comment: See Variant Classification Assertion Criteria.

ARUP Laboratories, Molecular Genetics and Genomics, ARUP Laboratories
Classification: Likely benign for Myoglobinuria, acute recurrent, autosomal recessive. Last evaluated: 2025-02-20. Review status: criteria provided, single submitter. Criteria: ARUP Molecular Germline Variant Investigation Process 2024. Collection method: clinical testing. Allele origin: germline.

Blueprint Genetics
Classification: Likely benign. Last evaluated: 2024-10-30. Review status: criteria provided, single submitter. Criteria: ACMG Guidelines, 2015. Collection method: clinical testing. Allele origin: germline.

Illumina Laboratory Services, Illumina
Classification: Likely benign for Myoglobinuria, acute recurrent, autosomal recessive. Last evaluated: 2017-04-27. Review status: criteria provided, single submitter. Criteria: ICSL Variant Classification Criteria 13 December 2019. Collection method: clinical testing. Allele origin: germline.
Comment: This variant was observed as part of a predisposition screen in an ostensibly healthy population. A literature search was performed for the gene, cDNA change, and amino acid change (where applicable). No publications were found based on this search. Allele frequency data from public databases allowed determination this variant is unlikely to cause disease. Therefore, this variant is classified as likely benign.

Breakthrough Genomics
Classification: Likely benign. Review status: criteria provided, single submitter. Criteria: ACMG Guidelines, 2015. Collection method: not provided. Allele origin: germline. Inheritance: Autosomal recessive inheritance. Affected: yes.

PreventionGenetics, part of Exact Sciences
Classification: Benign. Review status: criteria provided, single submitter. Criteria: ACMG Guidelines, 2015. Collection method: clinical testing. Allele origin: germline.

NM_001349206.2(LPIN1):c.1729A>G (p.Ile577Val)

Gene: LPIN1 (lipin 1; plus strand). Cytogenetic location: 2p25.1.
Variant type: single nucleotide variant.
Coding change: c.1729A>G on transcript NM_001349206.2 (MANE Select); coding-DNA position 1729, A replaced by G.
Protein change: p.Ile577Val; replaces isoleucine 577 with valine.
Molecular consequence: missense variant. On other transcripts: non-coding transcript variant (1).
Genome position (GRCh38, 1-based): chr2:11,791,929, A>G. VCF-style: chr2-11791929-A-G. GRCh37 (hg19) VCF-style: chr2-11932055-A-G.
Other names: c.1639A>G, p.Ile547Val (NM_001261427.3); c.1876A>G, p.Ile626Val (NM_001261428.3); c.1621A>G, p.Ile541Val (NM_001349199.2, NM_145693.4); c.1699A>G, p.Ile567Val (NM_001349200.2, NM_001349201.2); c.1726A>G, p.Ile576Val (NM_001349202.2, NM_001349203.2); c.1729A>G, p.Ile577Val (NM_001349204.2, NM_001349205.2); c.1819A>G, p.Ile607Val (NM_001349207.2); c.1768A>G, p.Ile590Val (NM_001349208.2); short protein forms I541V, I547V, I626V, I577V, I590V, I567V, I576V, I607V.
Identifiers: ClinVar variation 262585 (VCV000262585.54), dbSNP rs148499322, ClinGen allele CA1533842.
Genomic context (GRCh38, chr2:11,791,929, plus strand): 5'-ATCTTTTTTTGTTCCATTATTTATGTTACCATCCATTTAAAACAGGCCACTGTGGAATCT[A>G]TCATGAGGGATAAAATGCCCAAAAAGGGAGGAAGATGGTGGTTTTCATGGAGGGGAAGAA-3'
Protein context (NP_001336135.1, residues 567-587): KPLPKATVES[Ile577Val]MRDKMPKKGG